The following is an entry in ClinVar:

NM_000092.5(COL4A4):c.3768C>G (p.Asp1256Glu)

Gene: COL4A4 (collagen type IV alpha 4 chain; minus strand). Cytogenetic location: 2q36.3.
Variant type: single nucleotide variant.
Coding change: c.3768C>G on transcript NM_000092.5 (MANE Select); coding-DNA position 3768, C replaced by G.
Protein change: p.Asp1256Glu; replaces aspartic acid 1256 with glutamic acid.
Molecular consequence: missense variant.
Genome position (GRCh38, 1-based): chr2:227,031,994, G>C on the plus strand (C>G on the coding strand, the complement: COL4A4 is on the minus strand). VCF-style: chr2-227031994-G-C. GRCh37 (hg19) VCF-style: chr2-227896710-G-C.
Other names: short protein forms D1256E.
Identifiers: ClinVar variation 3236794 (VCV003236794.1), dbSNP rs1227212275.
Genomic context (GRCh38, chr2:227,031,994, plus strand): 5'-TTCTCTCATACCTCTTGGGCCATCAGGACCAGGAGGTCCCTGATCTCCAGGTGGACCCGG[G>C]TCAGGAATGTCCTTAGGAGCTCTTCCTGTGGCACCTGCAGGACCAGGTGGTCCTGAACTC-3'
Protein context (NP_000083.3, residues 1246-1266): ATGRAPKDIP[Asp1256Glu]PGPPGDQGPP

ClinVar aggregate classification (germline): Uncertain significance (1 of 4 stars; one submission).

Conditions:
Autosomal recessive Alport syndrome (ATS2). Also called: COL4A4 Alport Syndrome and Thin Basement Membrane Nephropathy; ALPORT SYNDROME 2, AUTOSOMAL RECESSIVE; Alport syndrome type 2; COL4A3-Related Nephropathy. Identifiers: Orphanet 63, Orphanet 88919, MedGen C4746745, MONDO:0008762, OMIM 203780.

Allele frequency attached by ClinVar (database versions not stated): gnomAD exomes below 0.00001; gnomAD 0.00001; TOPMed 0.00001.
gnomAD v4.1: 8 of 1,613,866 alleles (0.0005%); highest among the groups gnomAD compares: Non-Finnish European, 0.00068%; no homozygotes.

Submission:

MVZ Medizinische Genetik Mainz
Classification: Uncertain significance for Autosomal recessive Alport syndrome. Last evaluated: 2021-08-26. Review status: criteria provided, single submitter. Criteria: UK Practice Guidelines For Variant Classification V4 01 2020. Collection method: clinical testing. Allele origin: germline. Inheritance: Autosomal dominant inheritance. Affected: yes. Observed: 1 variant allele.
Comment: ACMG Criteria: PM2_SUP, BP4 (ACMG Version 3)